The following is an entry in ClinVar:

ClinVar aggregate classification (germline): Uncertain significance (1 of 4 stars; one submission).

Conditions:
Hereditary cancer-predisposing syndrome. Also called: Neoplastic Syndromes, Hereditary; Tumor predisposition; Hereditary neoplastic syndrome; Hereditary Cancer Syndrome. Identifiers: Orphanet 140162, MedGen C0027672, MeSH D009386, MONDO:0015356.

Submission:

Ambry Genetics
Classification: Uncertain significance for Hereditary cancer-predisposing syndrome. Last evaluated: 2024-01-12. Review status: criteria provided, single submitter. Criteria: Ambry Variant Classification Scheme 2023. Collection method: clinical testing. Allele origin: germline.
Comment: The p.L112H variant (also known as c.335T>A), located in coding exon 2 of the TMEM127 gene, results from a T to A substitution at nucleotide position 335. The leucine at codon 112 is replaced by histidine, an amino acid with similar properties. This amino acid position is conserved. In addition, this alteration is predicted to be deleterious by in silico analysis. Since supporting evidence is limited at this time, the clinical significance of this alteration remains unclear.

NM_017849.4(TMEM127):c.335T>A (p.Leu112His)

Gene: TMEM127 (transmembrane protein 127; minus strand). Cytogenetic location: 2q11.2.
Variant type: single nucleotide variant.
Coding change: c.335T>A on transcript NM_017849.4 (MANE Select); coding-DNA position 335, T replaced by A.
Protein change: p.Leu112His; replaces leucine 112 with histidine.
Molecular consequence: missense variant.
Genome position (GRCh38, 1-based): chr2:96,254,907, A>T on the plus strand (T>A on the coding strand, the complement: TMEM127 is on the minus strand). VCF-style: chr2-96254907-A-T. GRCh37 (hg19) VCF-style: chr2-96920645-A-T.
Other names: c.335T>A, p.Leu112His (NM_001193304.3); c.83T>A, p.Leu28His (NM_001407282.1, NM_001407283.1); short protein forms L112H, L28H.
Identifiers: ClinVar variation 3227074 (VCV003227074.1), dbSNP rs1684170958, ClinGen allele CA347653417.